The following is an entry in ClinVar:

ClinVar aggregate classification (germline): Benign (3 of 4 stars; one submission).

Conditions:
Breast-ovarian cancer, familial, susceptibility to, 1 (BROVCA1). Also called: BRCA1 Hereditary Breast and Ovarian Cancer; OVARIAN CANCER, SUSCEPTIBILITY TO. Identifiers: Orphanet 145, MedGen C2676676, MONDO:0011450, OMIM 604370. Disease mechanism: loss of function.

Allele frequency attached by ClinVar (database versions not stated): 1000 Genomes Project 30x 0.00031; gnomAD 0.00145; 1000 Genomes Project 0.28974.

Submission:

Evidence-based Network for the Interpretation of Germline Mutant Alleles (ENIGMA)
Classification: Benign for Breast-ovarian cancer, familial 1. Last evaluated: 2015-01-12. Review status: reviewed by expert panel. Criteria: ENIGMA BRCA1/2 Classification Criteria (2015). Collection method: curation. Allele origin: germline.
Comment: Class 1 not pathogenic based on frequency >1% in an outbred sampleset. Frequency 0.31 (Asian), 0.8 (African), 0.34 (European), derived from 1000 genomes (2012-04-30).

NM_007294.4(BRCA1):c.80+1128del

Gene: BRCA1 (BRCA1 DNA repair associated; minus strand). Cytogenetic location: 17q21.31.
Variant type: Deletion.
Coding change: c.80+1128del on transcript NM_007294.4 (MANE Select); 1128 bases into the intron after coding-DNA position 80, one base deleted (C; older notation c.80+1128delC).
Molecular consequence: intron variant.
Genome position (GRCh38, 1-based): chr17:43,122,889, G deleted on the plus strand (C on the coding strand, the reverse complement: BRCA1 is on the minus strand). VCF-style (leftmost placement, unchanged base first): chr17-43122888-AG-A. GRCh37 (hg19) VCF-style: chr17-41274905-AG-A.
Other names: IVS 2+1128del; c.-61-7110del (NM_001408458.1); c.-219+2388del (NM_001407967.1); c.-170+2388del (NM_001407959.1); c.-8+2388del (NM_001407931.1, NM_001407747.1); c.-224+2388del (NM_001407962.1, NM_001408512.1, NM_001408510.1); c.-109+2388del (NM_001407885.1); c.-62+2388del (NM_001408470.1, NM_001407848.1, NM_001407839.1 and 6 more transcripts); and 24 more.
Identifiers: ClinVar variation 209567 (VCV000209567.2), dbSNP rs199839105, ClinGen allele CA276536.